The following is an entry in ClinVar:

NM_007294.4(BRCA1):c.5447C>T (p.Thr1816Ile)

Gene: BRCA1 (BRCA1 DNA repair associated; minus strand). Cytogenetic location: 17q21.31.
Variant type: single nucleotide variant.
Coding change: c.5447C>T on transcript NM_007294.4 (MANE Select); coding-DNA position 5447, C replaced by T.
Protein change: p.Thr1816Ile; replaces threonine 1816 with isoleucine.
Molecular consequence: missense variant. On other transcripts: synonymous variant (17).
Genome position (GRCh38, 1-based): chr17:43,047,663, G>A on the plus strand (C>T on the coding strand, the complement: BRCA1 is on the minus strand). VCF-style: chr17-43047663-G-A. GRCh37 (hg19) VCF-style: chr17-41199680-G-A.
Other names: c.5234C>T, p.Thr1745Ile (NM_001407571.1, NM_001407894.1, NM_001407895.1 and 12 more transcripts); c.5513C>T, p.Thr1838Ile (NM_001407581.1, NM_001407582.1); c.5510C>T, p.Thr1837Ile (NM_001407583.1, NM_001407585.1, NM_001407587.1 and 1 more transcripts); c.5444C>T, p.Thr1815Ile (NM_001407622.1, NM_001407623.1, NM_001407624.1 and 14 more transcripts); c.5507C>T, p.Thr1836Ile (NM_001407590.1, NM_001407591.1); c.5441C>T, p.Thr1814Ile (NM_001407627.1, NM_001407628.1, NM_001407629.1 and 13 more transcripts); c.5438C>T, p.Thr1813Ile (NM_001407644.1, NM_001407645.1); c.5435C>T, p.Thr1812Ile (NM_001407646.1); and 83 more; short protein forms T1769I, T1816I, T1837I, T712I, T1520I, T1647I, T1688I, T1732I.
Identifiers: ClinVar variation 868904 (VCV000868904.14), dbSNP rs1567757864, ClinGen allele CA10590504.

ClinVar aggregate classification (germline): Conflicting classifications of pathogenicity. Review status: criteria provided, conflicting classifications (1 of 4 stars). 2 submissions from 2 submitters: Uncertain significance (1); Likely benign (1). Last evaluated 2025-10-20.

Conditions:
Hereditary breast ovarian cancer syndrome. Also called: Hereditary breast and ovarian cancer; Hereditary breast and ovarian cancer syndrome (HBOC); Breast and ovarian cancer; Hereditary breast and/or ovarian cancer syndrome; BRCA1- and BRCA2-Associated Hereditary Breast and Ovarian Cancer; Hereditary breast and ovarian cancer syndrome. Identifiers: Orphanet 145, MedGen C0677776, MeSH D061325, MONDO:0003582. Disease mechanism: loss of function.
Hereditary cancer-predisposing syndrome. Also called: Neoplastic Syndromes, Hereditary; Tumor predisposition; Hereditary Cancer Syndrome; Hereditary neoplastic syndrome. Identifiers: Orphanet 140162, MedGen C0027672, MeSH D009386, MONDO:0015356.

Submissions (3):

Labcorp Genetics (formerly Invitae), Labcorp
Classification: Uncertain significance for Hereditary breast ovarian cancer syndrome. Last evaluated: 2025-10-20. Review status: criteria provided, single submitter. Criteria: Invitae Variant Classification Sherloc (09022015). Collection method: clinical testing. Allele origin: germline.
Comment: This sequence change replaces threonine, which is neutral and polar, with isoleucine, which is neutral and non-polar, at codon 1816 of the BRCA1 protein (p.Thr1816Ile). This variant is not present in population databases (gnomAD no frequency). This variant has not been reported in the literature in individuals affected with BRCA1-related conditions. ClinVar contains an entry for this variant (Variation ID: 868904). Invitae Evidence Modeling incorporating data from in vitro experimental studies (PMID: 30209399) indicates that this missense variant is not expected to disrupt BRCA1 function with a negative predictive value of 95%. In summary, the available evidence is currently insufficient to determine the role of this variant in disease. Therefore, it has been classified as a Variant of Uncertain Significance.

Ambry Genetics
Classification: Likely benign for Hereditary cancer-predisposing syndrome. Last evaluated: 2024-06-17. Review status: criteria provided, single submitter. Criteria: Ambry Variant Classification Scheme 2023. Collection method: clinical testing. Allele origin: germline.

Brotman Baty Institute, University of Washington
No classification provided (evidence only). Condition: Breast-ovarian cancer, familial 1. Review status: no classification provided. Collection method: in vitro. Allele origin: not applicable. Functional consequence: functionally_normal. Not counted in ClinVar's aggregate classification.
ClinVar note: "not provided" was previously submitted as the classification for the variant. However, the classification appeared to be based only on an observation of functional data so it was converted to no classification on 2025-07-30.

Literature cited by the submitters: PubMed 30209399 (cited by Labcorp Genetics (formerly Invitae), Labcorp and Ambry Genetics).